The following is an entry in ClinVar:

NM_000228.3(LAMB3):c.2701+2T>C

Gene: LAMB3 (laminin subunit beta 3; minus strand). Cytogenetic location: 1q32.2.
Variant type: single nucleotide variant.
Coding change: c.2701+2T>C on transcript NM_000228.3 (MANE Select); the canonical splice donor site of the intron after coding-DNA position 2701, T replaced by C.
Molecular consequence: splice donor variant.
Genome position (GRCh38, 1-based): chr1:209,622,534, A>G on the plus strand (T>C on the coding strand, the complement: LAMB3 is on the minus strand). VCF-style: chr1-209622534-A-G. GRCh37 (hg19) VCF-style: chr1-209795879-A-G.
Other names: c.2701+2T>C (NM_001127641.1, NM_001017402.2).
Identifiers: ClinVar variation 2810532 (VCV002810532.4), dbSNP rs2464785458, ClinGen allele CA344586930.

ClinVar aggregate classification (germline): Likely pathogenic. Review status: criteria provided, multiple submitters, no conflicts (2 of 4 stars). 2 submissions from 2 submitters: Likely pathogenic (2). Last evaluated 2024-05-12.

Conditions:
Junctional epidermolysis bullosa gravis of Herlitz. Also called: Herlitz-type junctional epidermolysis bullosa; EPIDERMOLYSIS BULLOSA, JUNCTIONAL 1B, SEVERE; EPIDERMOLYSIS BULLOSA JUNCTIONALIS, HERLITZ TYPE; EPIDERMOLYSIS BULLOSA, JUNCTIONAL, HERLITZ-PEARSON TYPE; JEB-HERLITZ TYPE; Epidermolysis Bullosa Letalis. Identifiers: Orphanet 79404, MedGen C0079683, MONDO:0009182, OMIM 226700.
Amelogenesis imperfecta type 1A. Also called: Amelogenesis imperfecta local hypoplastic; Amelogenesis imperfecta, hypoplastic type; Amelogenesis imperfecta, type IA; AMELOGENESIS IMPERFECTA, HYPOPLASTIC TYPE IA. Identifiers: Orphanet 88661, MedGen C4011403, MONDO:0007094, OMIM 104530.
Junctional epidermolysis bullosa, non-Herlitz type. Also called: COL17A1-Related Junctional Epidermolysis Bullosa; EPIDERMOLYSIS BULLOSA, JUNCTIONAL 1A, INTERMEDIATE; EPIDERMOLYSIS BULLOSA JUNCTIONALIS, DISENTIS TYPE; EPIDERMOLYSIS BULLOSA JUNCTIONALIS, NON-HERLITZ TYPE; EPIDERMOLYSIS BULLOSA JUNCTIONALIS, PROGRESSIVE; EPIDERMOLYSIS BULLOSA JUNCTIONALIS, SEVERE NONLETHAL. Identifiers: Orphanet 251393, Orphanet 79402, Orphanet 79405, Orphanet 89840, MedGen C0268374, MONDO:0009180, OMIM 226650.

Submissions (2):

Fulgent Genetics
Classification: Likely pathogenic for Amelogenesis imperfecta type 1A; Junctional epidermolysis bullosa, non-Herlitz type; Junctional epidermolysis bullosa gravis of Herlitz. Last evaluated: 2024-05-12. Review status: criteria provided, single submitter. Criteria: ACMG Guidelines, 2015. Collection method: clinical testing. Allele origin: germline.

Labcorp Genetics (formerly Invitae), Labcorp
Classification: Likely pathogenic. Last evaluated: 2022-10-29. Review status: criteria provided, single submitter. Criteria: Invitae Variant Classification Sherloc (09022015). Collection method: clinical testing. Allele origin: germline.
Comment: This sequence change affects a donor splice site in intron 18 of the LAMB3 gene. It is expected to disrupt RNA splicing. Variants that disrupt the donor or acceptor splice site typically lead to a loss of protein function (PMID: 16199547), and loss-of-function variants in LAMB3 are known to be pathogenic (PMID: 11023379, 16473856). This variant is not present in population databases (gnomAD no frequency). This variant has not been reported in the literature in individuals affected with LAMB3-related conditions. Algorithms developed to predict the effect of sequence changes on RNA splicing suggest that this variant may disrupt the consensus splice site. In summary, the currently available evidence indicates that the variant is pathogenic, but additional data are needed to prove that conclusively. Therefore, this variant has been classified as Likely Pathogenic.

Literature cited by the submitters: PubMed 16199547 (cited by Labcorp Genetics (formerly Invitae), Labcorp); PubMed 11023379 (cited by Labcorp Genetics (formerly Invitae), Labcorp); PubMed 16473856 (cited by Labcorp Genetics (formerly Invitae), Labcorp).